The following is an entry in ClinVar:

NM_000593.6(TAP1):c.2076C>T (p.Tyr692=)

Genes: PSMB8-AS1 (PSMB8 antisense RNA 1; plus strand), TAP1 (transporter 1, ATP binding cassette subfamily B member; minus strand). Cytogenetic location: 6p21.32.
Variant type: single nucleotide variant.
Coding change: c.2076C>T on transcript NM_000593.6 (MANE Select); coding-DNA position 2076, C replaced by T.
Protein change: p.Tyr692=; no amino-acid change (tyrosine 692 retained).
Molecular consequence: synonymous variant. On other transcripts: non-coding transcript variant (4).
Genome position (GRCh38, 1-based): chr6:32,845,750, G>A on the plus strand (C>T on the coding strand, the complement: TAP1 is on the minus strand). VCF-style: chr6-32845750-G-A. GRCh37 (hg19) VCF-style: chr6-32813527-G-A.
Other names: c.1473C>T, p.Tyr491= (NM_001292022.2).
Identifiers: ClinVar variation 534729 (VCV000534729.36), dbSNP rs56337036, ClinGen allele CA3746582.

ClinVar aggregate classification (germline): Likely benign. Review status: criteria provided, multiple submitters, no conflicts (2 of 4 stars). 3 submissions from 3 submitters: Likely benign (3). Last evaluated 2026-02-01.

Conditions:
MHC class I deficiency. Identifiers: Orphanet 34592, MedGen C6024714, MONDO:0011476.

Allele frequency attached by ClinVar (database versions not stated): ESP Exome Variant Server 0.00071; 1000 Genomes Project 0.00100; 1000 Genomes Project 30x 0.00109; ExAC 0.00115; gnomAD exomes 0.00116 and 0.00175; gnomAD 0.00118 and 0.00120; TOPMed 0.00126.
gnomAD v4.1: 2,749 of 1,612,722 alleles (0.17%); highest among the groups gnomAD compares: Non-Finnish European, 0.21%; 4 homozygotes.

Submissions (3):

Labcorp Genetics (formerly Invitae), Labcorp
Classification: Likely benign for MHC class I deficiency 1. Last evaluated: 2026-02-01. Review status: criteria provided, single submitter. Criteria: Invitae Variant Classification Sherloc (09022015). Collection method: clinical testing. Allele origin: germline.

CeGaT Center for Human Genetics Tuebingen
Classification: Likely benign. Last evaluated: 2025-03-01. Review status: criteria provided, single submitter. Criteria: CeGaT Center For Human Genetics Tuebingen Variant Classification Criteria Version 2. Collection method: clinical testing. Allele origin: germline. Affected: yes. Observed: 2 variant alleles.
Comment: TAP1: BP4, BP7

Blueprint Genetics
Classification: Likely benign. Last evaluated: 2024-10-23. Review status: criteria provided, single submitter. Criteria: ACMG Guidelines, 2015. Collection method: clinical testing. Allele origin: germline.